The following is an entry in ClinVar:

ClinVar aggregate classification (germline): Conflicting classifications of pathogenicity. Review status: criteria provided, conflicting classifications (1 of 4 stars). 9 submissions from 9 submitters: Uncertain significance (4); Benign (1); Likely benign (3). 1 of the submissions does not count toward it. Last evaluated 2026-01-26.

Conditions:
Hereditary cancer-predisposing syndrome. Also called: Tumor predisposition; Hereditary neoplastic syndrome; Neoplastic Syndromes, Hereditary; Hereditary Cancer Syndrome. Identifiers: Orphanet 140162, MedGen C0027672, MeSH D009386, MONDO:0015356.
Tuberous sclerosis syndrome (TSC). Also called: Tuberous sclerosis; Tuberous Sclerosis Complex. Identifiers: Orphanet 805, MedGen C0041341, MONDO:0001734.
Tuberous sclerosis 1 (TSC1). Identifiers: Orphanet 805, MedGen C1854465, MONDO:0008612, OMIM 191100.

Allele frequency attached by ClinVar (database versions not stated): gnomAD exomes below 0.00001 and 0.00001; TOPMed below 0.00001; gnomAD 0.00001 and 0.00002.
gnomAD v4.1: 12 of 1,613,768 alleles (0.00074%); highest among the groups gnomAD compares: South Asian, 0.0033%; no homozygotes.

Submissions (9):

Labcorp Genetics (formerly Invitae), Labcorp
Classification: Likely benign for Tuberous sclerosis 1. Last evaluated: 2026-01-26. Review status: criteria provided, single submitter. Criteria: Invitae Variant Classification Sherloc (09022015). Collection method: clinical testing. Allele origin: germline.

Quest Diagnostics Nichols Institute San Juan Capistrano
Classification: Uncertain significance. Last evaluated: 2025-06-25. Review status: criteria provided, single submitter. Criteria: Quest Diagnostics criteria. Collection method: clinical testing. Allele origin: unknown.

Color Diagnostics, LLC DBA Color Health
Classification: Uncertain significance for Tuberous sclerosis syndrome. Last evaluated: 2025-06-17. Review status: criteria provided, single submitter. Criteria: ACMG Guidelines, 2015. Collection method: clinical testing. Allele origin: germline.
Comment: This missense variant replaces threonine with isoleucine at codon 1047 of the TSC1 protein. Computational prediction suggests that this variant may not impact protein structure and function. To our knowledge, functional studies have not been reported for this variant. This variant has not been reported in individuals affected with TSC1-related disorders in the literature but has been reported in a healthy individual (PMID: 24728327). This variant has been identified in 2/282234 chromosomes in the general population by the Genome Aggregation Database (gnomAD). The available evidence is insufficient to determine the role of this variant in disease conclusively. Therefore, this variant is classified as a Variant of Uncertain Significance.

Women's Health and Genetics/Laboratory Corporation of America, LabCorp
Classification: Uncertain significance. Last evaluated: 2025-02-04. Review status: criteria provided, single submitter. Criteria: LabCorp Variant Classification Summary - May 2015. Collection method: clinical testing. Allele origin: germline.
Comment: Variant summary: TSC1 c.3140C>T (p.Thr1047Ile) results in a non-conservative amino acid change in the encoded protein sequence. Three of five in-silico tools predict a benign effect of the variant on protein function. The variant allele was found at a frequency of 4e-06 in 250858 control chromosomes. The available data on variant occurrences in the general population are insufficient to allow any conclusion about variant significance. To our knowledge, no occurrence of c.3140C>T in individuals affected with Tuberous Sclerosis Complex and no experimental evidence demonstrating its impact on protein function have been reported. ClinVar contains an entry for this variant (Variation ID: 135368). Based on the evidence outlined above, the variant was classified as uncertain significance.

All of Us Research Program, National Institutes of Health
Classification: Uncertain significance for Tuberous sclerosis syndrome. Last evaluated: 2023-12-13. Review status: criteria provided, single submitter. Criteria: ACMG Guidelines, 2015. Collection method: clinical testing. Allele origin: germline. Inheritance: Autosomal dominant inheritance. Observed: 3 variant alleles, 3 heterozygotes.
Comment: This missense variant replaces threonine with isoleucine at codon 1047 of the TSC1 protein. Computational prediction suggests that this variant may not impact protein structure and function (internally defined REVEL score threshold <= 0.5, PMID: 27666373). To our knowledge, functional studies have not been reported for this variant. This variant has not been reported in individuals affected with TSC1-related disorders in the literature. This variant has been identified in 2/282234 chromosomes in the general population by the Genome Aggregation Database (gnomAD). The available evidence is insufficient to determine the role of this variant in disease conclusively. Therefore, this variant is classified as a Variant of Uncertain Significance.

This study involves interpretation of variants in research participants for the purpose of population health screening. Participant phenotype was not available at the time of variant classification. Additional details can be found in publication PMID: 35346344, PMCID: PMC8962531

Ambry Genetics
Classification: Likely benign for Hereditary cancer-predisposing syndrome. Last evaluated: 2022-02-16. Review status: criteria provided, single submitter. Criteria: Ambry Variant Classification Scheme 2023. Collection method: clinical testing. Allele origin: germline.

Genome-Nilou Lab
Classification: Benign for Tuberous sclerosis 1. Last evaluated: 2021-11-07. Review status: criteria provided, single submitter. Criteria: ACMG Guidelines, 2015. Collection method: clinical testing. Allele origin: germline. Affected: no.

GeneDx
Classification: Likely benign. Last evaluated: 2019-02-12. Review status: criteria provided, single submitter. Criteria: GeneDx Variant Classification Process June 2021. Collection method: clinical testing. Allele origin: germline. Affected: yes.
Comment: This variant is associated with the following publications: (PMID: 24728327)

ITMI
No classification provided. Condition: AllHighlyPenetrant. Last evaluated: 2013-09-19. Review status: no classification provided. Collection method: reference population. Allele origin: germline. Not counted in ClinVar's aggregate classification.
Comment: Please see associated publication for description of ethnicities

Literature cited by the submitters: PubMed 24728327 (cited by Color Diagnostics, LLC DBA Color Health and ITMI).

NM_000368.5(TSC1):c.3140C>T (p.Thr1047Ile)

Gene: TSC1 (TSC complex subunit 1; minus strand). Cytogenetic location: 9q34.13.
Variant type: single nucleotide variant.
Coding change: c.3140C>T on transcript NM_000368.5 (MANE Select); coding-DNA position 3140, C replaced by T.
Protein change: p.Thr1047Ile; replaces threonine 1047 with isoleucine.
Molecular consequence: missense variant.
Genome position (GRCh38, 1-based): chr9:132,896,590, G>A on the plus strand (C>T on the coding strand, the complement: TSC1 is on the minus strand). VCF-style: chr9-132896590-G-A. GRCh37 (hg19) VCF-style: chr9-135771977-G-A.
Other names: c.3137C>T, p.Thr1046Ile (NM_001162426.2); c.2987C>T, p.Thr996Ile (NM_001162427.2); c.2777C>T, p.Thr926Ile (NM_001362177.2); short protein forms T1047I, T996I, T926I, T1046I.
Identifiers: ClinVar variation 135368 (VCV000135368.21), dbSNP rs587778726, ClinGen allele CA007195.